The following is an entry in ClinVar:

ClinVar aggregate classification (germline): Uncertain significance (1 of 4 stars; one submission).

Conditions:
Familial Mediterranean fever (FMF). Also called: POLYSEROSITIS, FAMILIAL PAROXYSMAL; POLYSEROSITIS, RECURRENT; Periodic peritonitis; Benign paroxysmal peritonitis. Identifiers: Orphanet 342, MedGen C0031069, MONDO:0018088, OMIM 249100. Disease mechanism: gain of function.

Submission:

Labcorp Genetics (formerly Invitae), Labcorp
Classification: Uncertain significance for Familial Mediterranean fever. Last evaluated: 2024-03-21. Review status: criteria provided, single submitter. Criteria: Invitae Variant Classification Sherloc (09022015). Collection method: clinical testing. Allele origin: germline.
Comment: This variant, c.670_672del, results in the deletion of 1 amino acid(s) of the MEFV protein (p.Lys224del), but otherwise preserves the integrity of the reading frame. This variant is present in population databases (rs770801656, gnomAD 0.003%). This variant has not been reported in the literature in individuals affected with MEFV-related conditions. Experimental studies and prediction algorithms are not available or were not evaluated, and the functional significance of this variant is currently unknown. In summary, the available evidence is currently insufficient to determine the role of this variant in disease. Therefore, it has been classified as a Variant of Uncertain Significance.

NM_000243.3(MEFV):c.670_672del (p.Lys224del)

Gene: MEFV (MEFV innate immunity regulator, pyrin; minus strand). Cytogenetic location: 16p13.3.
Variant type: Deletion.
Coding change: c.670_672del on transcript NM_000243.3 (MANE Select); coding-DNA positions 670 to 672, 3 bases deleted (AAG; older notation c.670_672delAAG).
Protein change: p.Lys224del; deletes lysine 224.
Molecular consequence: intron variant (on NM_001198536.2).
Genome position (GRCh38, 1-based): chr16:3,254,396-3,254,398, CTT deleted on the plus strand (AAG on the coding strand, the reverse complement: MEFV is on the minus strand); deleting any 3 consecutive bases within chr16:3,254,396-3,254,400 gives the same sequence; the c. name uses the placement nearest the transcript's 3' end. VCF-style (leftmost placement, unchanged base first): chr16-3254395-CCTT-C. GRCh37 (hg19) VCF-style: chr16-3304395-CCTT-C.
Other names: c.277+1913_277+1915del (NM_001198536.2); short protein forms K224del.
Identifiers: ClinVar variation 3683059 (VCV003683059.2).